The following is an entry in ClinVar:

NM_000391.4(TPP1):c.542C>A (p.Ser181Tyr)

Gene: TPP1 (tripeptidyl peptidase 1; minus strand). Cytogenetic location: 11p15.4.
Variant type: single nucleotide variant.
Coding change: c.542C>A on transcript NM_000391.4 (MANE Select); coding-DNA position 542, C replaced by A.
Protein change: p.Ser181Tyr; replaces serine 181 with tyrosine.
Molecular consequence: missense variant.
Genome position (GRCh38, 1-based): chr11:6,617,120, G>T on the plus strand (C>A on the coding strand, the complement: TPP1 is on the minus strand). VCF-style: chr11-6617120-G-T. GRCh37 (hg19) VCF-style: chr11-6638351-G-T.
Other names: short protein forms S181Y.
Identifiers: ClinVar variation 845828 (VCV000845828.7), dbSNP rs139059149, ClinGen allele CA379475597.

ClinVar aggregate classification (germline): Uncertain significance (1 of 4 stars; one submission).

Submission:

Labcorp Genetics (formerly Invitae), Labcorp
Classification: Uncertain significance. Last evaluated: 2022-11-08. Review status: criteria provided, single submitter. Criteria: Invitae Variant Classification Sherloc (09022015). Collection method: clinical testing. Allele origin: germline.
Comment: In summary, the available evidence is currently insufficient to determine the role of this variant in disease. Therefore, it has been classified as a Variant of Uncertain Significance. Advanced modeling of protein sequence and biophysical properties (such as structural, functional, and spatial information, amino acid conservation, physicochemical variation, residue mobility, and thermodynamic stability) performed at Invitae indicates that this missense variant is not expected to disrupt TPP1 protein function. ClinVar contains an entry for this variant (Variation ID: 845828). This variant has not been reported in the literature in individuals affected with TPP1-related conditions. This variant is not present in population databases (gnomAD no frequency). This sequence change replaces serine, which is neutral and polar, with tyrosine, which is neutral and polar, at codon 181 of the TPP1 protein (p.Ser181Tyr).